The following is an entry in ClinVar:

ClinVar aggregate classification (germline): Uncertain significance (1 of 4 stars; one submission).

Conditions:
Kabuki syndrome. Also called: NIIKAWA-KUROKI SYNDROME; Kabuki make-up syndrome. Identifiers: Orphanet 2322, MedGen C0796004, MONDO:0016512.

gnomAD v4.1: 1 of 1,613,842 alleles (0.000062%); highest among the groups gnomAD compares: Non-Finnish European, 0.000085%; no homozygotes.

Submission:

Labcorp Genetics (formerly Invitae), Labcorp
Classification: Uncertain significance for Kabuki syndrome. Last evaluated: 2025-04-27. Review status: criteria provided, single submitter. Criteria: Invitae Variant Classification Sherloc (09022015). Collection method: clinical testing. Allele origin: germline.
Comment: This sequence change replaces serine, which is neutral and polar, with arginine, which is basic and polar, at codon 4548 of the KMT2D protein (p.Ser4548Arg). This variant is not present in population databases (gnomAD no frequency). This variant has not been reported in the literature in individuals affected with KMT2D-related conditions. Invitae Evidence Modeling of protein sequence and biophysical properties (such as structural, functional, and spatial information, amino acid conservation, physicochemical variation, residue mobility, and thermodynamic stability) indicates that this missense variant is not expected to disrupt KMT2D protein function with a negative predictive value of 95%. Algorithms developed to predict the effect of sequence changes on RNA splicing suggest that this variant may create or strengthen a splice site. In summary, the available evidence is currently insufficient to determine the role of this variant in disease. Therefore, it has been classified as a Variant of Uncertain Significance.

NM_003482.4(KMT2D):c.13644C>G (p.Ser4548Arg)

Gene: KMT2D (lysine methyltransferase 2D; minus strand). Cytogenetic location: 12q13.12.
Variant type: single nucleotide variant.
Coding change: c.13644C>G on transcript NM_003482.4 (MANE Select); coding-DNA position 13644, C replaced by G.
Protein change: p.Ser4548Arg; replaces serine 4548 with arginine.
Molecular consequence: missense variant.
Genome position (GRCh38, 1-based): chr12:49,030,920, G>C on the plus strand (C>G on the coding strand, the complement: KMT2D is on the minus strand). VCF-style: chr12-49030920-G-C. GRCh37 (hg19) VCF-style: chr12-49424703-G-C.
Other names: short protein forms S4548R.
Identifiers: ClinVar variation 4801185 (VCV004801185.1).